The following is an entry in ClinVar:

ClinVar aggregate classification (germline): Uncertain significance (1 of 4 stars; one submission).

Allele frequency attached by ClinVar (database versions not stated): ExAC 0.00002; gnomAD exomes 0.00002; TOPMed 0.00002; gnomAD 0.00005 and 0.00006.
gnomAD v4.1: 45 of 1,608,594 alleles (0.0028%); highest among the groups gnomAD compares: African/African-American, 0.0054%; no homozygotes.

Submission:

Labcorp Genetics (formerly Invitae), Labcorp
Classification: Uncertain significance. Last evaluated: 2025-12-29. Review status: criteria provided, single submitter. Criteria: Invitae Variant Classification Sherloc (09022015). Collection method: clinical testing. Allele origin: germline.
Comment: This sequence change replaces arginine, which is basic and polar, with glutamine, which is neutral and polar, at codon 1111 of the ERBB2 protein (p.Arg1111Gln). This variant is present in population databases (rs763276772, gnomAD 0.004%). This missense change has been observed in individual(s) with breast cancer (PMID: 26094658). ClinVar contains an entry for this variant (Variation ID: 1034543). An algorithm developed to predict the effect of missense changes on protein structure and function (PolyPhen-2) suggests that this variant is likely to be disruptive. In summary, the available evidence is currently insufficient to determine the role of this variant in disease. Therefore, it has been classified as a Variant of Uncertain Significance.

Literature cited by the submitters: PubMed 26094658.

NM_004448.4(ERBB2):c.3332G>A (p.Arg1111Gln)

Gene: ERBB2 (erb-b2 receptor tyrosine kinase 2; plus strand). Cytogenetic location: 17q12.
Variant type: single nucleotide variant.
Coding change: c.3332G>A on transcript NM_004448.4 (MANE Select); coding-DNA position 3332, G replaced by A.
Protein change: p.Arg1111Gln; replaces arginine 1111 with glutamine.
Molecular consequence: missense variant. On other transcripts: non-coding transcript variant (1), intron variant (2).
Genome position (GRCh38, 1-based): chr17:39,727,467, G>A. VCF-style: chr17-39727467-G-A. GRCh37 (hg19) VCF-style: chr17-37883720-G-A.
Other names: c.3242G>A, p.Arg1081Gln (NM_001005862.3, NM_001382782.1, NM_001382783.1); c.3287G>A, p.Arg1096Gln (NM_001289936.2); c.3449G>A, p.Arg1150Gln (NM_001382784.1); c.3434G>A, p.Arg1145Gln (NM_001382785.1); c.3413G>A, p.Arg1138Gln (NM_001382786.1); c.3407G>A, p.Arg1136Gln (NM_001382787.1); c.3362G>A, p.Arg1121Gln (NM_001382788.1); c.3353G>A, p.Arg1118Gln (NM_001382789.1); and 17 more; short protein forms R1049Q, R1082Q, R1097Q, R1108Q, R1121Q, R1138Q, R1145Q, R765Q.
Identifiers: ClinVar variation 1034543 (VCV001034543.8), dbSNP rs763276772, ClinGen allele CA8534524.
Genomic context (GRCh38, chr17:39,727,467, plus strand): 5'-GAATGGGGGCAGCCAAGGGGCTGCAAAGCCTCCCCACACATGACCCCAGCCCTCTACAGC[G>A]GTACAGTGAGGACCCCACAGTACCCCTGCCCTCTGAGACTGATGGCTACGTTGCCCCCCT-3'
Protein context (NP_004439.2, residues 1101-1121): LPTHDPSPLQ[Arg1111Gln]YSEDPTVPLP